The following is an entry in ClinVar:

NM_001999.4(FBN2):c.4042T>C (p.Phe1348Leu)

Gene: FBN2 (fibrillin 2; minus strand). Cytogenetic location: 5q23.3.
Variant type: single nucleotide variant.
Coding change: c.4042T>C on transcript NM_001999.4 (MANE Select); coding-DNA position 4042, T replaced by C.
Protein change: p.Phe1348Leu; replaces phenylalanine 1348 with leucine.
Molecular consequence: missense variant.
Genome position (GRCh38, 1-based): chr5:128,334,776, A>G on the plus strand (T>C on the coding strand, the complement: FBN2 is on the minus strand). VCF-style: chr5-128334776-A-G. GRCh37 (hg19) VCF-style: chr5-127670468-A-G.
Other names: short protein forms F1348L.
Identifiers: ClinVar variation 1737297 (VCV001737297.6), dbSNP rs2479797095, ClinGen allele CA360757022.

ClinVar aggregate classification (germline): Uncertain significance. Review status: criteria provided, multiple submitters, no conflicts (2 of 4 stars). 3 submissions from 3 submitters: Uncertain significance (3). Last evaluated 2026-01-21.

Conditions:
Familial thoracic aortic aneurysm and aortic dissection (TAAD). Also called: Thoracic aortic aneurysms and dissections. Identifiers: Orphanet 91387, MedGen C4707243, MONDO:0019625.
Congenital contractural arachnodactyly (CCA). Also called: BEALS SYNDROME; Arthrogryposis, distal, type 9; Beals-Hecht syndrome. Identifiers: Orphanet 115, MedGen C0220668, MONDO:0007363, OMIM 121050.

Allele frequency attached by ClinVar (database versions not stated): gnomAD exomes below 0.00001.
gnomAD v4.1: 1 of 1,613,644 alleles (0.000062%); highest among the groups gnomAD compares: Non-Finnish European, 0.000085%; no homozygotes.

Submissions (3):

GeneDx
Classification: Uncertain significance. Last evaluated: 2026-01-21. Review status: criteria provided, single submitter. Criteria: GeneDx Variant Classification Process June 2021. Collection method: clinical testing. Allele origin: germline.
Comment: Not observed at significant frequency in large population cohorts (gnomAD); In silico analysis supports that this missense variant has a deleterious effect on protein structure/function; Has not been previously published as pathogenic or benign to our knowledge

Labcorp Genetics (formerly Invitae), Labcorp
Classification: Uncertain significance for Congenital contractural arachnodactyly. Last evaluated: 2023-04-03. Review status: criteria provided, single submitter. Criteria: Invitae Variant Classification Sherloc (09022015). Collection method: clinical testing. Allele origin: germline.
Comment: In summary, the available evidence is currently insufficient to determine the role of this variant in disease. Therefore, it has been classified as a Variant of Uncertain Significance. Advanced modeling of protein sequence and biophysical properties (such as structural, functional, and spatial information, amino acid conservation, physicochemical variation, residue mobility, and thermodynamic stability) performed at Invitae indicates that this missense variant is expected to disrupt FBN2 protein function. ClinVar contains an entry for this variant (Variation ID: 1737297). This variant has not been reported in the literature in individuals affected with FBN2-related conditions. This variant is not present in population databases (gnomAD no frequency). This sequence change replaces phenylalanine, which is neutral and non-polar, with leucine, which is neutral and non-polar, at codon 1348 of the FBN2 protein (p.Phe1348Leu).

Ambry Genetics
Classification: Uncertain significance for Familial thoracic aortic aneurysm and aortic dissection. Last evaluated: 2020-10-06. Review status: criteria provided, single submitter. Criteria: Ambry Variant Classification Scheme 2023. Collection method: clinical testing. Allele origin: germline.
Comment: The p.F1348L variant (also known as c.4042T>C), located in coding exon 31 of the FBN2 gene, results from a T to C substitution at nucleotide position 4042. The phenylalanine at codon 1348 is replaced by leucine, an amino acid with highly similar properties. This amino acid position is highly conserved in available vertebrate species. In addition, this alteration is predicted to be deleterious by in silico analysis. Since supporting evidence is limited at this time, the clinical significance of this alteration remains unclear.